The following is an entry in ClinVar:

NM_004973.4(JARID2):c.1186dup (p.Ala396fs)

Gene: JARID2 (jumonji and AT-rich interaction domain containing 2; plus strand). Cytogenetic location: 6p22.3.
Variant type: Duplication.
Coding change: c.1186dup on transcript NM_004973.4 (MANE Select); coding-DNA position 1186, one base duplicated (G; older notation c.1186dupG).
Protein change: p.Ala396fs; shifts the reading frame from alanine 396.
Molecular consequence: frameshift variant.
Genome position (GRCh38, 1-based): chr6:15,496,411, G duplicated; the last of 7 consecutive G bases (chr6:15,496,405-15,496,411); duplicating any one gives the same sequence. VCF-style (leftmost placement, unchanged base first): chr6-15496404-C-CG. GRCh37 (hg19) VCF-style: chr6-15496635-C-CG.
Other names: c.670dup, p.Ala224fs (NM_001267040.1); short protein forms A224fs, A396fs.
Identifiers: ClinVar variation 3900339 (VCV003900339.1).
Genomic context (GRCh38, chr6:15,496,404, plus strand): 5'-CACAATCTCAGGGAAAACTGAAAGTAGCAATGCAAAAACCCGCAAACAGGTGCTATCCCT[C>CG]GGGGGGGCGTCCAAGTCCACTGGGCCCGCCGTCAATGGCCTCAAGGTCAGTGGCAGGTTG-3'

ClinVar aggregate classification (germline): Pathogenic (1 of 4 stars; one submission).

Submission:

GeneDx
Classification: Pathogenic. Last evaluated: 2024-08-28. Review status: criteria provided, single submitter. Criteria: GeneDx Variant Classification Process June 2021. Collection method: clinical testing. Allele origin: germline. Affected: yes.
Comment: De novo variant with confirmed parentage in a patient with autism spectrum disorder and a developmental disorder in the published literature, however, additional clinical information was not provided (PMID: 33057194, 35982159); Frameshift variant predicted to result in protein truncation or nonsense mediated decay in a gene for which loss of function is a known mechanism of disease; Not observed at significant frequency in large population cohorts (gnomAD); This variant is associated with the following publications: (PMID: 33057194, 35982159)